The following is an entry in ClinVar:

NM_000398.7(CYB5R3):c.719A>G (p.Asp240Gly)

Gene: CYB5R3 (cytochrome b5 reductase 3; minus strand). Cytogenetic location: 22q13.2.
Variant type: single nucleotide variant.
Coding change: c.719A>G on transcript NM_000398.7 (MANE Select); coding-DNA position 719, A replaced by G.
Protein change: p.Asp240Gly; replaces aspartic acid 240 with glycine.
Molecular consequence: missense variant.
Genome position (GRCh38, 1-based): chr22:42,623,803, T>C on the plus strand (A>G on the coding strand, the complement: CYB5R3 is on the minus strand). VCF-style: chr22-42623803-T-C. GRCh37 (hg19) VCF-style: chr22-43019809-T-C.
Other names: p.Asp240Gly; c.650A>G, p.Asp217Gly (NM_001129819.2, NM_001171661.1, NM_007326.4); c.818A>G, p.Asp273Gly (NM_001171660.2); short protein forms D240G, D273G, D217G.
Identifiers: ClinVar variation 252 (VCV000000252.8), dbSNP rs121965018, ClinGen allele CA114096.

ClinVar aggregate classification (germline): Conflicting classifications of pathogenicity. Review status: criteria provided, conflicting classifications (1 of 4 stars). 5 submissions from 5 submitters: Pathogenic (1); Likely pathogenic (1); Uncertain significance (2). 1 of the submissions does not count toward it. Last evaluated 2024-02-16.

Conditions:
CYB5R3-related disorders.
Deficiency of cytochrome-b5 reductase. Also called: NADH-DEPENDENT METHEMOGLOBIN REDUCTASE DEFICIENCY; METHEMOGLOBINEMIA, CONGENITAL, AUTOSOMAL RECESSIVE. Identifiers: Orphanet 621, MedGen C0268193, MONDO:0009606, OMIM 250800.
METHEMOGLOBINEMIA, TYPE I. Identifiers: MedGen C2749559, OMIM 250800.

Allele frequency attached by ClinVar (database versions not stated): gnomAD 0.00001; ExAC 0.00003; gnomAD exomes 0.00006 and 0.00013; TOPMed 0.00006.
gnomAD v4.1: 195 of 1,613,808 alleles (0.012%); highest among the groups gnomAD compares: Non-Finnish European, 0.015%; no homozygotes.

Submissions (5):

Mayo Clinic Laboratories, Mayo Clinic
Classification: Uncertain significance. Last evaluated: 2024-02-16. Review status: criteria provided, single submitter. Criteria: ACMG Guidelines, 2015. Collection method: clinical testing. Allele origin: germline. Observed: 1 variant allele.
Comment: PP3, PM2_moderate, PM3, PS3_supporting

Blueprint Genetics
Classification: Pathogenic for CYB5R3-related disorders. Last evaluated: 2023-09-14. Review status: criteria provided, single submitter. Criteria: ACMG Guidelines, 2015. Collection method: clinical testing. Allele origin: germline. Affected: yes. Observed: 5 variant alleles.

Revvity Omics, Revvity
Classification: Uncertain significance for Deficiency of cytochrome-b5 reductase. Last evaluated: 2022-11-29. Review status: criteria provided, single submitter. Criteria: ACMG Guidelines, 2015. Collection method: clinical testing. Allele origin: germline.

Fulgent Genetics
Classification: Likely pathogenic for Deficiency of cytochrome-b5 reductase. Last evaluated: 2022-01-13. Review status: criteria provided, single submitter. Criteria: ACMG Guidelines, 2015. Collection method: clinical testing. Allele origin: unknown.

OMIM
Classification: Pathogenic for METHEMOGLOBINEMIA, TYPE I. Last evaluated: 2008-05-01. Review status: no assertion criteria provided. Collection method: literature only. Allele origin: germline. Not counted in ClinVar's aggregate classification.

Literature cited by the submitters: PubMed 15953014 (cited by Mayo Clinic Laboratories, Mayo Clinic and OMIM); PubMed 18318771 (cited by Mayo Clinic Laboratories, Mayo Clinic and OMIM); PubMed 18343696 (cited by Mayo Clinic Laboratories, Mayo Clinic); PubMed 24266649 (cited by Mayo Clinic Laboratories, Mayo Clinic); PubMed 31898843 (cited by Mayo Clinic Laboratories, Mayo Clinic).